The following is an entry in ClinVar:

ClinVar aggregate classification (germline): Uncertain significance (1 of 4 stars; one submission).

Conditions:
Progressive familial heart block type IB (PFHB1B). Identifiers: Orphanet 871, MedGen C1970298, MONDO:0011474, OMIM 604559.

Submission:

Labcorp Genetics (formerly Invitae), Labcorp
Classification: Uncertain significance for Progressive familial heart block type IB. Last evaluated: 2024-10-24. Review status: criteria provided, single submitter. Criteria: Invitae Variant Classification Sherloc (09022015). Collection method: clinical testing. Allele origin: germline.
Comment: This sequence change falls in intron 17 of the TRPM4 gene. It does not directly change the encoded amino acid sequence of the TRPM4 protein. It affects a nucleotide within the consensus splice site. This variant is not present in population databases (gnomAD no frequency). This variant has not been reported in the literature in individuals affected with TRPM4-related conditions. Variants that disrupt the consensus splice site are a relatively common cause of aberrant splicing (PMID: 17576681, 9536098). Algorithms developed to predict the effect of sequence changes on RNA splicing suggest that this variant is not likely to affect RNA splicing. In summary, the available evidence is currently insufficient to determine the role of this variant in disease. Therefore, it has been classified as a Variant of Uncertain Significance.

Literature cited by the submitters: PubMed 17576681; PubMed 9536098.

NM_017636.4(TRPM4):c.2645+3G>T

Gene: TRPM4 (transient receptor potential cation channel subfamily M member 4; plus strand). Cytogenetic location: 19q13.33.
Variant type: single nucleotide variant.
Coding change: c.2645+3G>T on transcript NM_017636.4 (MANE Select); 3 bases into the intron after coding-DNA position 2645, G replaced by T.
Molecular consequence: intron variant.
Genome position (GRCh38, 1-based): chr19:49,196,877, G>T. VCF-style: chr19-49196877-G-T. GRCh37 (hg19) VCF-style: chr19-49700134-G-T.
Other names: c.2211-3423G>T (NM_001195227.2); c.1037+3G>T (NM_001321282.2); c.2300+3G>T (NM_001321281.2); c.2123+3G>T (NM_001321283.2); c.1583+3G>T (NM_001321285.2).
Identifiers: ClinVar variation 3723621 (VCV003723621.2).